The following is an entry in ClinVar:

NM_018706.7(DHTKD1):c.1879C>T (p.Gln627Ter)

Gene: DHTKD1 (dehydrogenase E1 and transketolase domain containing 1; plus strand). Cytogenetic location: 10p14.
Variant type: single nucleotide variant.
Coding change: c.1879C>T on transcript NM_018706.7 (MANE Select); coding-DNA position 1879, C replaced by T.
Protein change: p.Gln627Ter; replaces glutamine 627 with a stop codon.
Molecular consequence: nonsense.
Genome position (GRCh38, 1-based): chr10:12,101,164, C>T. VCF-style: chr10-12101164-C-T. GRCh37 (hg19) VCF-style: chr10-12143163-C-T.
Other names: short protein forms Q627*.
Identifiers: ClinVar variation 2006686 (VCV002006686.4), dbSNP rs2491496929, ClinGen allele CA376022823.
Genomic context (GRCh38, chr10:12,101,164, plus strand): 5'-ATCGTGGTTTGCCAGGAGACGGATGACACCTACATCCCCCTGAACCATATGGACCCAAAT[C>T]AGAAGGGGTTTCTAGAGGTGAGATGTTTCTATAGCTGTTGTAAAATCCAGGTGCCAACGA-3'

ClinVar aggregate classification (germline): Pathogenic (1 of 4 stars; one submission).

Conditions:
2-aminoadipic 2-oxoadipic aciduria (AAKAD). Also called: Aminoadipic aciduria; ALPHA-AMINOADIPIC AND ALPHA-KETOADIPIC ACIDURIA. Identifiers: Orphanet 79154, MedGen C1859817, MONDO:0008774, OMIM 204750.

Submission:

Labcorp Genetics (formerly Invitae), Labcorp
Classification: Pathogenic for 2-aminoadipic 2-oxoadipic aciduria. Last evaluated: 2022-07-30. Review status: criteria provided, single submitter. Criteria: Invitae Variant Classification Sherloc (09022015). Collection method: clinical testing. Allele origin: germline.
Comment: This variant has not been reported in the literature in individuals affected with DHTKD1-related conditions. This variant is not present in population databases (gnomAD no frequency). This sequence change creates a premature translational stop signal (p.Gln627*) in the DHTKD1 gene. It is expected to result in an absent or disrupted protein product. Loss-of-function variants in DHTKD1 are known to be pathogenic (PMID: 23141293, 25860818). For these reasons, this variant has been classified as Pathogenic.

Literature cited by the submitters: PubMed 23141293; PubMed 25860818.